The following is an entry in ClinVar:

NM_001098.3(ACO2):c.526-2A>G

Gene: ACO2 (aconitase 2; plus strand). Cytogenetic location: 22q13.2.
Variant type: single nucleotide variant.
Coding change: c.526-2A>G on transcript NM_001098.3 (MANE Select); the canonical splice acceptor site of the intron before coding-DNA position 526, A replaced by G.
Molecular consequence: splice acceptor variant.
Genome position (GRCh38, 1-based): chr22:41,515,375, A>G. VCF-style: chr22-41515375-A-G. GRCh37 (hg19) VCF-style: chr22-41911379-A-G.
Identifiers: ClinVar variation 1506722 (VCV001506722.6), dbSNP rs2146124353, ClinGen allele CA411717517.

ClinVar aggregate classification (germline): Likely pathogenic (1 of 4 stars; one submission).

Submission:

Labcorp Genetics (formerly Invitae), Labcorp
Classification: Likely pathogenic. Last evaluated: 2022-08-31. Review status: criteria provided, single submitter. Criteria: Invitae Variant Classification Sherloc (09022015). Collection method: clinical testing. Allele origin: germline.
Comment: In summary, the currently available evidence indicates that the variant is pathogenic, but additional data are needed to prove that conclusively. Therefore, this variant has been classified as Likely Pathogenic. Algorithms developed to predict the effect of sequence changes on RNA splicing suggest that this variant may disrupt the consensus splice site. ClinVar contains an entry for this variant (Variation ID: 1506722). This variant has not been reported in the literature in individuals affected with ACO2-related conditions. This variant is not present in population databases (gnomAD no frequency). This sequence change affects an acceptor splice site in intron 4 of the ACO2 gene. It is expected to disrupt RNA splicing. Variants that disrupt the donor or acceptor splice site typically lead to a loss of protein function (PMID: 16199547), and loss-of-function variants in ACO2 are known to be pathogenic (PMID: 30689204, 32519519).

Literature cited by the submitters: PubMed 16199547; PubMed 30689204; PubMed 32519519.